The following is an entry in ClinVar:

NM_130839.5(UBE3A):c.1122G>A (p.Met374Ile)

Genes: SNHG14 (small nucleolar RNA host gene 14; plus strand), UBE3A (ubiquitin protein ligase E3A; minus strand). Cytogenetic location: 15q11.2.
Variant type: single nucleotide variant.
Coding change: c.1122G>A on transcript NM_130839.5 (MANE Select); coding-DNA position 1122, G replaced by A.
Protein change: p.Met374Ile; replaces methionine 374 with isoleucine.
Molecular consequence: missense variant. On other transcripts: non-coding transcript variant (1), intron variant (2).
Genome position (GRCh38, 1-based): chr15:25,371,052, C>T on the plus strand (G>A on the coding strand, the complement: UBE3A is on the minus strand). VCF-style: chr15-25371052-C-T. GRCh37 (hg19) VCF-style: chr15-25616199-C-T.
Other names: c.1131G>A, p.Met377Ile (NM_000462.5); c.1122G>A, p.Met374Ile (NM_001354538.2, NM_001354545.2, NM_001354505.1); c.1062G>A, p.Met354Ile (NM_001354539.2, NM_001354540.2, NM_001354541.2 and 17 more transcripts); c.945G>A, p.Met315Ile (NM_001354546.2); c.301+4413G>A (NM_001354551.2); c.361+4413G>A (NM_001354550.2); short protein forms M354I, M315I, M374I, M377I.
Identifiers: ClinVar variation 2747350 (VCV002747350.3), dbSNP rs2552191631, ClinGen allele CA391354306.
Genomic context (GRCh38, chr15:25,371,052, plus strand): 5'-ATCATCTTCTTCATTGTGATTTGTGTCCACTTCCCCTCCCACTACATTTGCATAGTAAAC[C>T]ATTTTCAAGCACTTCGAAGCAGCAACAATGGCATCATCATCATTCACTAGATTTCGACTG-3'
Protein context (NP_570854.1, residues 364-384): AIVAASKCLK[Met374Ile]VYYANVVGGE

ClinVar aggregate classification (germline): Uncertain significance (1 of 4 stars; one submission).

Conditions:
Angelman syndrome (AS). Also called: HAPPY PUPPET SYNDROME. Identifiers: Orphanet 72, MedGen C0162635, MONDO:0007113, OMIM 105830. Disease mechanism: loss of function. Inheritance: imprinting disorder, AS is caused by disruption of maternally imprinted UBE3A located within the 15q11.2-q13 Angelman syndrome/Prader-Willi syndrome (AS/PWS) region..

Submission:

Labcorp Genetics (formerly Invitae), Labcorp
Classification: Uncertain significance for Angelman syndrome. Last evaluated: 2023-07-27. Review status: criteria provided, single submitter. Criteria: Invitae Variant Classification Sherloc (09022015). Collection method: clinical testing. Allele origin: germline.
Comment: This sequence change replaces methionine, which is neutral and non-polar, with isoleucine, which is neutral and non-polar, at codon 354 of the UBE3A protein (p.Met354Ile). This variant is not present in population databases (gnomAD no frequency). This variant has not been reported in the literature in individuals affected with UBE3A-related conditions. Advanced modeling of protein sequence and biophysical properties (such as structural, functional, and spatial information, amino acid conservation, physicochemical variation, residue mobility, and thermodynamic stability) performed at Invitae indicates that this missense variant is not expected to disrupt UBE3A protein function. In summary, the available evidence is currently insufficient to determine the role of this variant in disease. Therefore, it has been classified as a Variant of Uncertain Significance.